The following is an entry in ClinVar:

NM_000092.5(COL4A4):c.3679G>C (p.Gly1227Arg)

Gene: COL4A4 (collagen type IV alpha 4 chain; minus strand). Cytogenetic location: 2q36.3.
Variant type: single nucleotide variant.
Coding change: c.3679G>C on transcript NM_000092.5 (MANE Select); coding-DNA position 3679, G replaced by C.
Protein change: p.Gly1227Arg; replaces glycine 1227 with arginine.
Molecular consequence: missense variant.
Genome position (GRCh38, 1-based): chr2:227,032,175, C>G on the plus strand (G>C on the coding strand, the complement: COL4A4 is on the minus strand). VCF-style: chr2-227032175-C-G. GRCh37 (hg19) VCF-style: chr2-227896891-C-G.
Other names: short protein forms G1227R.
Identifiers: ClinVar variation 3336205 (VCV003336205.2).

ClinVar aggregate classification (germline): Conflicting classifications of pathogenicity. Review status: criteria provided, conflicting classifications (1 of 4 stars). 2 submissions from 2 submitters: Likely pathogenic (1); Uncertain significance (1). Last evaluated 2024-05-09.

Conditions:
Autosomal recessive Alport syndrome (ATS2). Also called: COL4A3-Related Nephropathy; COL4A4 Alport Syndrome and Thin Basement Membrane Nephropathy; ALPORT SYNDROME 2, AUTOSOMAL RECESSIVE; Alport syndrome type 2. Identifiers: Orphanet 63, Orphanet 88919, MedGen C4746745, MONDO:0008762, OMIM 203780.
Hematuria, benign familial, 1 (BFH1). Also called: THIN MEMBRANE NEPHROPATHY. Identifiers: MedGen CN376803, MONDO:0007709, OMIM 141200.

Submissions (2):

Fulgent Genetics
Classification: Likely pathogenic for Hematuria, benign familial, 1; Autosomal recessive Alport syndrome. Last evaluated: 2024-05-09. Review status: criteria provided, single submitter. Criteria: ACMG Guidelines, 2015. Collection method: clinical testing. Allele origin: germline.

Women's Health and Genetics/Laboratory Corporation of America, LabCorp
Classification: Uncertain significance. Last evaluated: 2024-05-03. Review status: criteria provided, single submitter. Criteria: LabCorp Variant Classification Summary - May 2015. Collection method: clinical testing. Allele origin: germline.
Comment: Variant summary: COL4A4 c.3679G>C (p.Gly1227Arg) results in a non-conservative amino acid change located in the Collagen triple helix repeat region (IPR008160) of the encoded protein sequence. Five of five in-silico tools predict a damaging effect of the variant on protein function. The variant was absent in 249476 control chromosomes. The available data on variant occurrences in the general population are insufficient to allow any conclusion about variant significance. c.3679G>C has been reported in the literature in at least one individual affected with kidney disease, however the zygosity and phenotypic details were not provided (example, Zamani_2021). These report(s) do not provide unequivocal conclusions about association of the variant with Alport Syndrome, Autosomal Recessive. To our knowledge, no experimental evidence demonstrating an impact on protein function has been reported. The following publication has been ascertained in the context of this evaluation (PMID: 35373060). No submitters have cited clinical-significance assessments for this variant to ClinVar. Based on the evidence outlined above, the variant was classified as uncertain significance.

Literature cited by the submitters: PubMed 35373060 (cited by Women's Health and Genetics/Laboratory Corporation of America, LabCorp).